The following is an entry in ClinVar:

NM_001376013.1(EPB41):c.2577C>T (p.Thr859=)

Gene: EPB41 (erythrocyte membrane protein band 4.1; plus strand). Cytogenetic location: 1p35.3.
Variant type: single nucleotide variant.
Coding change: c.2577C>T on transcript NM_001376013.1 (MANE Select); coding-DNA position 2577, C replaced by T.
Protein change: p.Thr859=; no amino-acid change (threonine 859 retained).
Molecular consequence: synonymous variant.
Genome position (GRCh38, 1-based): chr1:29,115,779, C>T. VCF-style: chr1-29115779-C-T. GRCh37 (hg19) VCF-style: chr1-29442291-C-T.
Other names: p.Thr859=; c.2577C>T, p.Thr859= (NM_001166005.2); c.1788C>T, p.Thr596= (NM_001166007.2); c.2577C>T (NM_001166005.1); c.2508C>T, p.Thr836= (NM_001376014.1); c.2472C>T, p.Thr824= (NM_001376015.1); c.1950C>T, p.Thr650= (NM_001376022.1); c.1749C>T, p.Thr583= (NM_004437.4); and 2 more.
Identifiers: ClinVar variation 993792 (VCV000993792.27), dbSNP rs536178, ClinGen allele CA724880.
Genomic context (GRCh38, chr1:29,115,779, plus strand): 5'-GGAGGCAAAGGAGCAGCACCCAGACATGTCAGTGACCAAGGTGGTCGTCCACCAGGAGAC[C>T]GAGATTGCTGATGAGTGAGCTCAGGTACTGGGCGTTCCTGCTGGGGCTGAGGGTGCCCAC-3'
Protein context (NP_001362942.1, residues 849-864): SVTKVVVHQE[Thr859=]EIADE

ClinVar aggregate classification (germline): Benign/Likely benign. Review status: criteria provided, multiple submitters, no conflicts (2 of 4 stars). 7 submissions from 7 submitters: Benign (6); Likely benign (1). Last evaluated 2026-02-03.

Conditions:
Elliptocytosis 1 (EL1). Also called: 4.1- TRAIT; 4.1-MINUS TRAIT; ELLIPTOCYTOSIS, RHESUS-LINKED TYPE; PROTEIN 4.1 OF ERYTHROCYTE MEMBRANE, DEFECT OF. Identifiers: Orphanet 288, MedGen C2678497, MONDO:0012731, OMIM 611804.

Allele frequency attached by ClinVar (database versions not stated): 1000 Genomes Project 0.08786; 1000 Genomes Project 30x 0.09197; TOPMed 0.11429; ESP Exome Variant Server 0.12310.
gnomAD v4.1: 127,442 of 1,613,570 alleles (7.9%); highest among the groups gnomAD compares: African/African-American, 20%; 5,958 homozygotes.

Submissions (7):

Labcorp Genetics (formerly Invitae), Labcorp
Classification: Benign. Last evaluated: 2026-02-03. Review status: criteria provided, single submitter. Criteria: Invitae Variant Classification Sherloc (09022015). Collection method: clinical testing. Allele origin: germline.

ARUP Laboratories, Molecular Genetics and Genomics, ARUP Laboratories
Classification: Benign for Elliptocytosis 1. Last evaluated: 2025-07-31. Review status: criteria provided, single submitter. Criteria: ARUP Molecular Germline Variant Investigation Process 2024. Collection method: clinical testing. Allele origin: germline.

Blueprint Genetics
Classification: Likely benign. Last evaluated: 2024-11-26. Review status: criteria provided, single submitter. Criteria: ACMG Guidelines, 2015. Collection method: clinical testing. Allele origin: germline.

Genome-Nilou Lab
Classification: Benign for Elliptocytosis 1. Last evaluated: 2023-04-11. Review status: criteria provided, single submitter. Criteria: ACMG Guidelines, 2015. Collection method: clinical testing. Allele origin: germline. Affected: no.

Mayo Clinic Laboratories, Mayo Clinic
Classification: Benign. Last evaluated: 2022-05-17. Review status: criteria provided, single submitter. Criteria: ACMG Guidelines, 2015. Collection method: clinical testing. Allele origin: germline. Observed: 430 variant alleles.
Comment: BA1

GeneDx
Classification: Benign. Last evaluated: 2021-06-09. Review status: criteria provided, single submitter. Criteria: GeneDx Variant Classification Process June 2021. Collection method: clinical testing. Allele origin: germline. Affected: yes.

Breakthrough Genomics
Classification: Benign. Review status: criteria provided, single submitter. Criteria: ACMG Guidelines, 2015. Collection method: not provided. Allele origin: germline. Inheritance: Autosomal dominant inheritance. Affected: yes.